The following is an entry in ClinVar:

ClinVar aggregate classification (germline): Uncertain significance. Review status: criteria provided, multiple submitters, no conflicts (2 of 4 stars). 3 submissions from 3 submitters: Uncertain significance (3). Last evaluated 2025-08-17.

Conditions:
Hereditary cancer-predisposing syndrome. Also called: Hereditary Cancer Syndrome; Hereditary neoplastic syndrome; Tumor predisposition; Neoplastic Syndromes, Hereditary. Identifiers: Orphanet 140162, MedGen C0027672, MeSH D009386, MONDO:0015356.
RASopathy. Also called: rasopathies; Noonan spectrum disorder. Identifiers: Orphanet 536391, MedGen C5555857, MONDO:0021060.
Cardiovascular phenotype. Identifiers: MedGen CN230736.

Allele frequency attached by ClinVar (database versions not stated): gnomAD exomes 0.00001.
gnomAD v4.1: 12 of 1,613,550 alleles (0.00074%); highest among the groups gnomAD compares: Non-Finnish European, 0.001%; no homozygotes.

Submissions (3):

Labcorp Genetics (formerly Invitae), Labcorp
Classification: Uncertain significance for RASopathy. Last evaluated: 2025-08-17. Review status: criteria provided, single submitter. Criteria: Invitae Variant Classification Sherloc (09022015). Collection method: clinical testing. Allele origin: germline.
Comment: This sequence change replaces methionine, which is neutral and non-polar, with threonine, which is neutral and polar, at codon 450 of the PTPN11 protein (p.Met450Thr). This variant is not present in population databases (gnomAD no frequency). This variant has not been reported in the literature in individuals affected with PTPN11-related conditions. ClinVar contains an entry for this variant (Variation ID: 1396939). Invitae Evidence Modeling of protein sequence and biophysical properties (such as structural, functional, and spatial information, amino acid conservation, physicochemical variation, residue mobility, and thermodynamic stability) indicates that this missense variant is not expected to disrupt PTPN11 protein function with a negative predictive value of 95%. In summary, the available evidence is currently insufficient to determine the role of this variant in disease. Therefore, it has been classified as a Variant of Uncertain Significance.

Molecular Diagnostics Laboratory, Catalan Institute of Oncology
Classification: Uncertain significance for Hereditary cancer-predisposing syndrome. Last evaluated: 2024-09-17. Review status: criteria provided, single submitter. Criteria: ACMG Guidelines, 2015. Collection method: clinical testing. Allele origin: germline.
Comment: PM2_supporting, PP2 GV (18/09/2024), revisa LF 19/9/2024: PM2_supporting, PP2 =2pts  VSD. c.1349T>C, located in exon 11 of the PTPN11 gene, is predicted to result in the substitution of methionine by threonine at codon 450, p.(Met450Thr). It is not present in the population database gnomAD v2.1.1, non-cancer dataset (PM2_supporting). This position is outside a (potentially) clinically important functional domain. PTPN11 gene has a low rate of benign missense variants (PP2). The SpliceAI algorithm predicts no significant impact on splicing and the REVEL meta-predictor score (0.336) for this variant is indeterminate regarding the effect that it may have on protein function according to Pejaver 2022 thresholds (PMID: 36413997). To our knowledge, neither relevant clinical data nor well-established functional studies have been reported for this variant. This variant has been reported twice in the ClinVar database as an uncertain significance variant but it has not been identified in LOVD, nor has been classified by the ClinGen RASopathy Variant Curation Expert Panel. Based on currently available information, the variant c.1349T>C should be considered an uncertain significance variant.

Ambry Genetics
Classification: Uncertain significance for Cardiovascular phenotype. Last evaluated: 2018-05-31. Review status: criteria provided, single submitter. Criteria: Ambry Variant Classification Scheme 2023. Collection method: clinical testing. Allele origin: germline.
Comment: The p.M450T variant (also known as c.1349T>C), located in coding exon 11 of the PTPN11 gene, results from a T to C substitution at nucleotide position 1349. The methionine at codon 450 is replaced by threonine, an amino acid with similar properties. This amino acid position is poorly conserved in available vertebrate species. In addition, this alteration is predicted to be tolerated by in silico analysis. Since supporting evidence is limited at this time, the clinical significance of this alteration remains unclear.

NM_002834.5(PTPN11):c.1349T>C (p.Met450Thr)

Gene: PTPN11 (protein tyrosine phosphatase non-receptor type 11; plus strand). Cytogenetic location: 12q24.13.
Variant type: single nucleotide variant.
Coding change: c.1349T>C on transcript NM_002834.5 (MANE Select); coding-DNA position 1349, T replaced by C.
Protein change: p.Met450Thr; replaces methionine 450 with threonine.
Molecular consequence: missense variant.
Genome position (GRCh38, 1-based): chr12:112,486,599, T>C. VCF-style: chr12-112486599-T-C. GRCh37 (hg19) VCF-style: chr12-112924403-T-C.
Other names: c.1361T>C, p.Met454Thr (NM_001330437.2); c.1346T>C, p.Met449Thr (NM_001374625.1); c.1349T>C, p.Met450Thr (NM_080601.3); short protein forms M454T, M450T, M449T.
Identifiers: ClinVar variation 1396939 (VCV001396939.9), dbSNP rs2135912854, ClinGen allele CA386777623.
Genomic context (GRCh38, chr12:112,486,599, plus strand): 5'-GCGACCCTGGGGGCGTGCTGGACTTCCTGGAGGAGGTGCACCATAAGCAGGAGAGCATCA[T>C]GGATGCAGGGCCGGTCGTGGTGCACTGCAGGTGACAGCTCCTGCTGCCCCTCTAGGCCAC-3'
Protein context (NP_002825.3, residues 440-460): EEVHHKQESI[Met450Thr]DAGPVVVHCS